The following is an entry in ClinVar:

NM_003999.3(OSMR):c.2090A>C (p.Lys697Thr)

Gene: OSMR (oncostatin M receptor; plus strand). Cytogenetic location: 5p13.1.
Variant type: single nucleotide variant.
Coding change: c.2090A>C on transcript NM_003999.3 (MANE Select); coding-DNA position 2090, A replaced by C.
Protein change: p.Lys697Thr; replaces lysine 697 with threonine.
Molecular consequence: missense variant.
Genome position (GRCh38, 1-based): chr5:38,925,249, A>C. VCF-style: chr5-38925249-A-C. GRCh37 (hg19) VCF-style: chr5-38925351-A-C.
Other names: c.2090A>C, p.Lys697Thr (NM_001323505.2); c.2093A>C, p.Lys698Thr (NM_001323506.2); short protein forms K697T, K698T.
Identifiers: ClinVar variation 30222 (VCV000030222.4), dbSNP rs387906823, ClinGen allele CA129037.
Genomic context (GRCh38, chr5:38,925,249, plus strand): 5'-TTTAAAAAATCACAGATGGTTCAGAATGTTGCAAATACAAAATTGACAACCCGGAAGAAA[A>C]GGCATTGATTGTGGACAACCTAAAGCCAGAATCCTTCTATGAGTTTTTCATCACTCCATT-3'
Protein context (NP_003990.1, residues 687-707): CKYKIDNPEE[Lys697Thr]ALIVDNLKPE

ClinVar aggregate classification (germline): Uncertain significance. Review status: criteria provided, single submitter (1 of 4 stars). 2 submissions from 2 submitters: Uncertain significance (1). 1 of the submissions does not count toward it.

Conditions:
Amyloidosis, primary localized cutaneous, 1. Also called: AMYLOIDOSIS, PRIMARY CUTANEOUS, 1; AMYLOIDOSIS IX; Lichen amyloidosis familial; Amyloidosis 9. Identifiers: Orphanet 353220, MedGen C4551501, MONDO:0024522, OMIM 105250.

Allele frequency attached by ClinVar (database versions not stated): TOPMed 0.00005; gnomAD 0.00003.
gnomAD v4.1: 18 of 1,613,922 alleles (0.0011%); highest among the groups gnomAD compares: East Asian, 0.04%; no homozygotes.

Submissions (2):

Juno Genomics, Hangzhou Juno Genomics, Inc
Classification: Uncertain significance for Amyloidosis, primary localized cutaneous, 1. Review status: criteria provided, single submitter. Criteria: ACMG Guidelines, 2015. Collection method: clinical testing. Allele origin: germline.
Comment: Absent from controls (or at extremely low frequency if recessive) in Genome Aggregation Database.;The prevalence of the variant in affected individuals is significantly increased compared to the prevalence in controls.;Patient's phenotype or family history is highly specific for a disease with a single genetic etiology.

OMIM
Classification: Pathogenic for AMYLOIDOSIS, PRIMARY LOCALIZED CUTANEOUS, 1. Last evaluated: 2010-01-01. Review status: no assertion criteria provided. Collection method: literature only. Allele origin: germline. Not counted in ClinVar's aggregate classification.

Literature cited by the submitters: PubMed 19690585 (cited by OMIM).